The following is an entry in ClinVar:

ClinVar aggregate classification (germline): Benign/Likely benign. Review status: criteria provided, multiple submitters, no conflicts (2 of 4 stars). 4 submissions from 4 submitters: Benign (1); Likely benign (3). Last evaluated 2025-12-25.

Conditions:
Wolfram syndrome 1 (WFS1). Identifiers: Orphanet 3463, MedGen C4551693, MONDO:0009101, OMIM 222300.

Allele frequency attached by ClinVar (database versions not stated): gnomAD exomes 0.00004 and 0.00005; TOPMed 0.00005; ExAC 0.00006; gnomAD 0.00006; ESP Exome Variant Server 0.00008.

Submissions (4):

Labcorp Genetics (formerly Invitae), Labcorp
Classification: Likely benign. Last evaluated: 2025-12-25. Review status: criteria provided, single submitter. Criteria: Invitae Variant Classification Sherloc (09022015). Collection method: clinical testing. Allele origin: germline.

Blueprint Genetics
Classification: Likely benign. Last evaluated: 2023-10-19. Review status: criteria provided, single submitter. Criteria: ACMG Guidelines, 2015. Collection method: clinical testing. Allele origin: germline.

GeneDx
Classification: Likely benign. Last evaluated: 2020-04-17. Review status: criteria provided, single submitter. Criteria: GeneDx Variant Classification Process June 2021. Collection method: clinical testing. Allele origin: germline. Affected: yes.

Clinical Genomics, Uppaluri K&H Personalized Medicine Clinic
Classification: Benign for Wolfram syndrome 1. Review status: criteria provided, single submitter. Criteria: K & H Uppaluri Personalized Medicine Clinic Variant Classification & Assertion Criteria_Updated V.1. Collection method: research. Allele origin: unknown. Inheritance: Autosomal recessive inheritance.
Comment: Potent mutations in WFS1 gene are associated with Wolfram's syndrome, an autosomal recessive condition, which cause diabetes mellitus, diabetes insipidus, deafness and optic atrophy. However no sufficient evidence is found to ascertain the role of this particular variant rs139236812 in Wolfram's syndrome yet.

Literature cited by the submitters: PubMed 20738327 (cited by Clinical Genomics, Uppaluri K&H Personalized Medicine Clinic); PubMed 33879153 (cited by Clinical Genomics, Uppaluri K&H Personalized Medicine Clinic); PubMed 12955714 (cited by Clinical Genomics, Uppaluri K&H Personalized Medicine Clinic); PubMed 18060660 (cited by Clinical Genomics, Uppaluri K&H Personalized Medicine Clinic); PubMed 20301750 (cited by Clinical Genomics, Uppaluri K&H Personalized Medicine Clinic); PubMed 17603484 (cited by Clinical Genomics, Uppaluri K&H Personalized Medicine Clinic).

NM_006005.3(WFS1):c.2358C>T (p.Gly786=)

Gene: WFS1 (wolframin ER transmembrane glycoprotein; plus strand). Cytogenetic location: 4p16.1.
Variant type: single nucleotide variant.
Coding change: c.2358C>T on transcript NM_006005.3 (MANE Select); coding-DNA position 2358, C replaced by T.
Protein change: p.Gly786=; no amino-acid change (glycine 786 retained).
Molecular consequence: synonymous variant.
Genome position (GRCh38, 1-based): chr4:6,302,153, C>T. VCF-style: chr4-6302153-C-T. GRCh37 (hg19) VCF-style: chr4-6303880-C-T.
Other names: c.2358C>T, p.Gly786= (NM_001145853.1).
Identifiers: ClinVar variation 511468 (VCV000511468.14), dbSNP rs139236812, ClinGen allele CA2839696.